The following is an entry in ClinVar:

NM_001374736.1(DST):c.2028G>T (p.Arg676Ser)

Gene: DST (dystonin; minus strand). Cytogenetic location: 6p12.1.
Variant type: single nucleotide variant.
Coding change: c.2028G>T on transcript NM_001374736.1 (MANE Select); coding-DNA position 2028, G replaced by T.
Protein change: p.Arg676Ser; replaces arginine 676 with serine.
Molecular consequence: missense variant.
Genome position (GRCh38, 1-based): chr6:56,640,605, C>A on the plus strand (G>T on the coding strand, the complement: DST is on the minus strand). VCF-style: chr6-56640605-C-A. GRCh37 (hg19) VCF-style: chr6-56505403-C-A.
Other names: c.1395G>T, p.Arg465Ser (NM_183380.4, NM_001374729.1, NM_001374730.1 and 1 more transcripts); c.1929G>T, p.Arg643Ser (NM_001144769.5); c.1515G>T, p.Arg505Ser (NM_001144770.2); c.2028G>T, p.Arg676Ser (NM_001374722.1); c.2055G>T, p.Arg685Ser (NM_001374734.1); c.417G>T, p.Arg139Ser (NM_001723.7, NM_015548.5); short protein forms R139S, R465S, R505S, R643S, R676S, R685S.
Identifiers: ClinVar variation 1004461 (VCV001004461.9), dbSNP rs1380856703, ClinGen allele CA364579201.

ClinVar aggregate classification (germline): Uncertain significance (1 of 4 stars; one submission).

Conditions:
Hereditary sensory and autonomic neuropathy type 6. Also called: HSAN VI; Neuropathy, hereditary sensory and autonomic, type VI. Identifiers: Orphanet 314381, MedGen C3539003, MONDO:0013839, OMIM 614653.
Epidermolysis bullosa simplex 3, localized or generalized intermediate, with BP230 deficiency (EBS3). Also called: Epidermolysis bullosa simplex due to BP230 deficiency; Epidermolysis bullosa simplex, autosomal recessive 2. Identifiers: Orphanet 412181, MedGen C3809470, MONDO:0014180, OMIM 615425.

Submission:

Labcorp Genetics (formerly Invitae), Labcorp
Classification: Uncertain significance for Epidermolysis bullosa simplex 3, localized or generalized intermediate, with BP230 deficiency; Hereditary sensory and autonomic neuropathy type 6. Last evaluated: 2020-06-08. Review status: criteria provided, single submitter. Criteria: Invitae Variant Classification Sherloc (09022015). Collection method: clinical testing. Allele origin: germline.
Comment: This sequence change replaces arginine with serine at codon 139 of the DST protein (p.Arg139Ser). The arginine residue is highly conserved and there is a moderate physicochemical difference between arginine and serine. This variant is not present in population databases (ExAC no frequency). This variant has not been reported in the literature in individuals with DST-related conditions. Algorithms developed to predict the effect of missense changes on protein structure and function (SIFT, PolyPhen-2, Align-GVGD) all suggest that this variant is likely to be disruptive, but these predictions have not been confirmed by published functional studies and their clinical significance is uncertain. In summary, the available evidence is currently insufficient to determine the role of this variant in disease. Therefore, it has been classified as a Variant of Uncertain Significance.